The following is an entry in ClinVar:

ClinVar aggregate classification (germline): Uncertain significance. Review status: criteria provided, multiple submitters, no conflicts (2 of 4 stars). 2 submissions from 2 submitters: Uncertain significance (2). Last evaluated 2025-11-03.

Allele frequency attached by ClinVar (database versions not stated): ExAC 0.00003; gnomAD exomes 0.00004 and 0.00006; gnomAD 0.00002; TOPMed 0.00002.
gnomAD v4.1: 85 of 1,613,598 alleles (0.0053%); highest among the groups gnomAD compares: Non-Finnish European, 0.0067%; no homozygotes.

Submissions (2):

Labcorp Genetics (formerly Invitae), Labcorp
Classification: Uncertain significance. Last evaluated: 2025-11-03. Review status: criteria provided, single submitter. Criteria: Invitae Variant Classification Sherloc (09022015). Collection method: clinical testing. Allele origin: germline.
Comment: This sequence change replaces cysteine, which is neutral and slightly polar, with tyrosine, which is neutral and polar, at codon 1227 of the RIMS1 protein (p.Cys1227Tyr). This variant is present in population databases (rs745568882, gnomAD 0.009%). This missense change has been observed in individuals with cone-rod dystrophy (internal data). ClinVar contains an entry for this variant (Variation ID: 1448702). An algorithm developed to predict the effect of missense changes on protein structure and function (PolyPhen-2) suggests that this variant is likely to be disruptive. In summary, the available evidence is currently insufficient to determine the role of this variant in disease. Therefore, it has been classified as a Variant of Uncertain Significance.

Ambry Genetics
Classification: Uncertain significance. Last evaluated: 2022-11-07. Review status: criteria provided, single submitter. Criteria: Ambry Variant Classification Scheme 2023. Collection method: clinical testing. Allele origin: germline.

NM_014989.7(RIMS1):c.3680G>A (p.Cys1227Tyr)

Gene: RIMS1 (regulating synaptic membrane exocytosis 1; plus strand). Cytogenetic location: 6q13.
Variant type: single nucleotide variant.
Coding change: c.3680G>A on transcript NM_014989.7 (MANE Select); coding-DNA position 3680, G replaced by A.
Protein change: p.Cys1227Tyr; replaces cysteine 1227 with tyrosine.
Molecular consequence: missense variant. On other transcripts: intron variant (56).
Genome position (GRCh38, 1-based): chr6:72,290,804, G>A. VCF-style: chr6-72290804-G-A. GRCh37 (hg19) VCF-style: chr6-73000507-G-A.
Other names: c.1754G>A, p.Cys585Tyr (NM_001350420.2); c.1736G>A, p.Cys579Tyr (NM_001350431.2); c.1823G>A, p.Cys608Tyr (NM_001350438.2, NM_001350456.2); c.1826G>A, p.Cys609Tyr (NM_001350442.2, NM_001350446.2); c.1685G>A, p.Cys562Tyr (NM_001350462.2); c.1632-1130G>A (NM_001350428.2); c.1560-1130G>A (NM_001350459.2, NM_001350424.2); c.1641-1130G>A (NM_001350437.2); and 32 more; short protein forms C579Y, C1227Y, C608Y, C562Y, C585Y, C609Y.
Identifiers: ClinVar variation 1448702 (VCV001448702.8), dbSNP rs745568882, ClinGen allele CA3886315.